The following is an entry in ClinVar:

ClinVar aggregate classification (germline): Likely benign (1 of 4 stars; one submission).

Allele frequency attached by ClinVar (database versions not stated): gnomAD exomes below 0.00001; ExAC 0.00001.
gnomAD v4.1: 7 of 1,614,020 alleles (0.00043%); highest among the groups gnomAD compares: Non-Finnish European, 0.00059%; no homozygotes.

Submission:

CeGaT Center for Human Genetics Tuebingen
Classification: Likely benign. Last evaluated: 2023-01-01. Review status: criteria provided, single submitter. Criteria: CeGaT Center For Human Genetics Tuebingen Variant Classification Criteria Version 2. Collection method: clinical testing. Allele origin: germline. Affected: yes. Observed: 1 variant allele.
Comment: AFAP1L2: BP4, BP7

NM_001001936.3(AFAP1L2):c.1056G>A (p.Arg352=)

Gene: AFAP1L2 (actin filament associated protein 1 like 2; minus strand). Cytogenetic location: 10q25.3.
Variant type: single nucleotide variant.
Coding change: c.1056G>A on transcript NM_001001936.3 (MANE Select); coding-DNA position 1056, G replaced by A.
Protein change: p.Arg352=; no amino-acid change (arginine 352 retained).
Molecular consequence: synonymous variant.
Genome position (GRCh38, 1-based): chr10:114,307,821, C>T on the plus strand (G>A on the coding strand, the complement: AFAP1L2 is on the minus strand). VCF-style: chr10-114307821-C-T. GRCh37 (hg19) VCF-style: chr10-116067580-C-T.
Other names: c.1215G>A, p.Arg405= (NM_001287824.2); c.1110G>A, p.Arg370= (NM_001351064.2, NM_001351067.2, NM_001351068.2); c.1140G>A, p.Arg380= (NM_001351065.2, NM_001351066.2, NM_001351077.2 and 3 more transcripts); c.1056G>A, p.Arg352= (NM_001351069.2, NM_001351074.2, NM_001351075.2 and 2 more transcripts); c.888G>A, p.Arg296= (NM_001351070.2, NM_001351073.2); c.972G>A, p.Arg324= (NM_001351071.2, NM_001351072.2).
Identifiers: ClinVar variation 2640864 (VCV002640864.24), dbSNP rs781509933, ClinGen allele CA5701449.